The following is an entry in ClinVar:

ClinVar aggregate classification (germline): Likely benign. Review status: criteria provided, single submitter (1 of 4 stars). 2 submissions from 2 submitters: Likely benign (1). 1 of the submissions does not count toward it. Last evaluated 2023-04-01.

Conditions:
DCHS2-related disorder. Also called: DCHS2-related condition.

Allele frequency attached by ClinVar (database versions not stated): 1000 Genomes Project 0.00200; 1000 Genomes Project 30x 0.00203; ExAC 0.00212; gnomAD 0.00332.

Submissions (2):

CeGaT Center for Human Genetics Tuebingen
Classification: Likely benign. Last evaluated: 2023-04-01. Review status: criteria provided, single submitter. Criteria: CeGaT Center For Human Genetics Tuebingen Variant Classification Criteria Version 2. Collection method: clinical testing. Allele origin: germline. Affected: yes. Observed: 1 variant allele.
Comment: DCHS2: BP4, BS2

PreventionGenetics, part of Exact Sciences
Classification: Likely benign for DCHS2-related condition. Last evaluated: 2019-02-21. Review status: no assertion criteria provided. Collection method: clinical testing. Allele origin: germline. Not counted in ClinVar's aggregate classification.
Comment: This variant is classified as likely benign based on ACMG/AMP sequence variant interpretation guidelines (Richards et al. 2015 PMID: 25741868, with internal and published modifications).

NM_001358235.2(DCHS2):c.787C>T (p.Arg263Trp)

Gene: DCHS2 (dachsous cadherin-related 2; minus strand). Cytogenetic location: 4q31.3.
Variant type: single nucleotide variant.
Coding change: c.787C>T on transcript NM_001358235.2 (MANE Select); coding-DNA position 787, C replaced by T.
Protein change: p.Arg263Trp; replaces arginine 263 with tryptophan.
Molecular consequence: missense variant.
Genome position (GRCh38, 1-based): chr4:154,490,569, G>A on the plus strand (C>T on the coding strand, the complement: DCHS2 is on the minus strand). VCF-style: chr4-154490569-G-A. GRCh37 (hg19) VCF-style: chr4-155411721-G-A.
Other names: c.787C>T, p.Arg263Trp (NM_001142552.2, NM_001412223.1); c.787C>T (NM_001358235.1); short protein forms R263W.
Identifiers: ClinVar variation 2655144 (VCV002655144.25), dbSNP rs199621086, ClinGen allele CA3113871.